The following is an entry in ClinVar:

NM_001540.5(HSPB1):c.364+9_364+26del

Gene: HSPB1 (heat shock protein family B (small) member 1; plus strand). Cytogenetic location: 7q11.23.
Variant type: Deletion.
Coding change: c.364+9_364+26del on transcript NM_001540.5 (MANE Select); bases 9 to 26 of the intron after coding-DNA position 364, 18 bases deleted (CCCTGCTCCTGCAGGGGA).
Molecular consequence: intron variant.
Genome position (GRCh38, 1-based): chr7:76,303,085-76,303,102, CCCTGCTCCTGCAGGGGA deleted. VCF-style (leftmost placement, unchanged base first): chr7-76303084-CCCCTGCTCCTGCAGGGGA-C. GRCh37 (hg19) VCF-style: chr7-75932401-CCCCTGCTCCTGCAGGGGA-C.
Identifiers: ClinVar variation 2971385 (VCV002971385.3), dbSNP rs1172512368, ClinGen allele CA575786754.

ClinVar aggregate classification (germline): Uncertain significance (1 of 4 stars; one submission).

Conditions:
Charcot-Marie-Tooth disease axonal type 2F (CMT2F). Also called: CHARCOT-MARIE-TOOTH DISEASE, NEURONAL, TYPE 2F; Charcot-Marie-Tooth Neuropathy Type 2F. Identifiers: Orphanet 99940, MedGen C1847823, MONDO:0011687, OMIM 606595.

Allele frequency attached by ClinVar (database versions not stated): gnomAD exomes below 0.00001; TOPMed 0.00002.

Submission:

Labcorp Genetics (formerly Invitae), Labcorp
Classification: Uncertain significance for Charcot-Marie-Tooth disease axonal type 2F. Last evaluated: 2023-12-11. Review status: criteria provided, single submitter. Criteria: Invitae Variant Classification Sherloc (09022015). Collection method: clinical testing. Allele origin: germline.
Comment: This sequence change falls in intron 1 of the HSPB1 gene. It does not directly change the encoded amino acid sequence of the HSPB1 protein. This variant is present in population databases (no rsID available, gnomAD 0.009%). This variant has not been reported in the literature in individuals affected with HSPB1-related conditions. Experimental studies and prediction algorithms are not available or were not evaluated, and the effect of this variant on mRNA splicing is currently unknown. In summary, the available evidence is currently insufficient to determine the role of this variant in disease. Therefore, it has been classified as a Variant of Uncertain Significance.